The following is an entry in ClinVar:

ClinVar aggregate classification (germline): Uncertain significance (1 of 4 stars; one submission).

Conditions:
Autosomal recessive spastic paraplegia type 78. Identifiers: Orphanet 513436, MedGen C5567893, MONDO:0014975, OMIM 617225.
Kufor-Rakeb syndrome (KRS). Also called: PARKINSON DISEASE 9, AUTOSOMAL RECESSIVE, JUVENILE-ONSET. Identifiers: Orphanet 306674, Orphanet 314632, MedGen C1847640, MONDO:0011706, OMIM 606693.

Allele frequency attached by ClinVar (database versions not stated): gnomAD exomes below 0.00001 and 0.00001; TOPMed below 0.00001; gnomAD 0.00001.
gnomAD v4.1: 3 of 1,613,994 alleles (0.00019%); highest among the groups gnomAD compares: Admixed American, 0.005%; no homozygotes.

Submission:

Labcorp Genetics (formerly Invitae), Labcorp
Classification: Uncertain significance for Kufor-Rakeb syndrome; Autosomal recessive spastic paraplegia type 78. Last evaluated: 2022-07-21. Review status: criteria provided, single submitter. Criteria: Invitae Variant Classification Sherloc (09022015). Collection method: clinical testing. Allele origin: germline.
Comment: This sequence change replaces cysteine, which is neutral and slightly polar, with phenylalanine, which is neutral and non-polar, at codon 864 of the ATP13A2 protein (p.Cys864Phe). This variant is present in population databases (no rsID available, gnomAD 0.006%). In summary, the available evidence is currently insufficient to determine the role of this variant in disease. Therefore, it has been classified as a Variant of Uncertain Significance. Advanced modeling of protein sequence and biophysical properties (such as structural, functional, and spatial information, amino acid conservation, physicochemical variation, residue mobility, and thermodynamic stability) performed at Invitae indicates that this missense variant is not expected to disrupt ATP13A2 protein function. ClinVar contains an entry for this variant (Variation ID: 1415595). This variant has not been reported in the literature in individuals affected with ATP13A2-related conditions.

NM_022089.4(ATP13A2):c.2591G>T (p.Cys864Phe)

Gene: ATP13A2 (ATPase cation transporting 13A2; minus strand). Cytogenetic location: 1p36.13.
Variant type: single nucleotide variant.
Coding change: c.2591G>T on transcript NM_022089.4 (MANE Select); coding-DNA position 2591, G replaced by T.
Protein change: p.Cys864Phe; replaces cysteine 864 with phenylalanine.
Molecular consequence: missense variant.
Genome position (GRCh38, 1-based): chr1:16,989,709, C>A on the plus strand (G>T on the coding strand, the complement: ATP13A2 is on the minus strand). VCF-style: chr1-16989709-C-A. GRCh37 (hg19) VCF-style: chr1-17316204-C-A.
Other names: c.2576G>T, p.Cys859Phe (NM_001141973.3); c.2459G>T, p.Cys820Phe (NM_001141974.3); short protein forms C864F, C820F, C859F.
Identifiers: ClinVar variation 1415595 (VCV001415595.5), dbSNP rs1281682323, ClinGen allele CA338239271.
Genomic context (GRCh38, chr1:16,989,709, plus strand): 5'-GTCTCCGCAGGCCCTTGCCCACACCCTCTGCCGAGCACTCACTGAAGCTTCTGTAGCTCG[C>A]ACACCAGCTCTGTCTTCTGCTCAGGGGCCATGCGGGCAAAGACAGTGCCCTGGACCAGGA-3'
Protein context (NP_071372.1, residues 854-874): MAPEQKTELV[Cys864Phe]ELQKLQYCVG